The following is an entry in ClinVar:

NM_005751.5(AKAP9):c.5748G>A (p.Glu1916=)

Gene: AKAP9 (A-kinase anchoring protein 9; plus strand). Cytogenetic location: 7q21.2.
Variant type: single nucleotide variant.
Coding change: c.5748G>A on transcript NM_005751.5 (MANE Select); coding-DNA position 5748, G replaced by A.
Protein change: p.Glu1916=; no amino-acid change (glutamic acid 1916 retained).
Molecular consequence: synonymous variant.
Genome position (GRCh38, 1-based): chr7:92,061,406, G>A. VCF-style: chr7-92061406-G-A. GRCh37 (hg19) VCF-style: chr7-91690720-G-A.
Other names: c.393G>A, p.Glu131= (NM_001379277.1); c.5748G>A, p.Glu1916= (NM_147185.3).
Identifiers: ClinVar variation 4851562 (VCV004851562.1).

ClinVar aggregate classification (germline): Uncertain significance (1 of 4 stars; one submission).

Conditions:
Long QT syndrome 11 (LQT11). Identifiers: Orphanet 101016, Orphanet 768, MedGen C2678483, MONDO:0012738, OMIM 611820.

Submission:

Petrovsky National Research Centre of Surgery, The Federal Agency for Scientific Organizations
Classification: Uncertain significance for Long QT syndrome 11. Review status: criteria provided, single submitter. Criteria: ACMG Guidelines, 2015. Collection method: clinical testing. Allele origin: germline. Affected: yes.
Comment: This variant is absent in The Genome Aggregation Database (gnomAD) v4.1.0 (Date of access 22-05-2026). This variant has not been reported in any study to our knowledge. In accordance with ACMG (2015) criteria this variant is classified as Uncertain significance (VUS) with following criteria selected: PM2, PP3.